The following is an entry in ClinVar:

ClinVar aggregate classification (germline): Uncertain significance (1 of 4 stars; one submission).

Conditions:
ARHGAP1-related condition.

gnomAD v4.1: 1 of 1,613,732 alleles (0.000062%); highest among the groups gnomAD compares: Non-Finnish European, 0.000085%; no homozygotes.

Submission:

Undiagnosed Diseases Network, NIH
Classification: Uncertain significance for ARHGAP1-related condition. Last evaluated: 2026-05-14. Review status: criteria provided, single submitter. Criteria: ACMG Guidelines, 2015. Collection method: clinical testing. Allele origin: de novo. Affected: yes. Observed: 1 variant allele, 1 heterozygote. Study: Undiagnosed Diseases Network (NIH), UDN.
Comment: The ARHGAP1: c.309G>T (p.Lys103Asn) variant is extremely rare in population datasets, with only 1 observation among 1,461,384 control chromosomes in gnomAD v4.1.0 exomes. The variant is absent from the gnomAD v4.1.0 genomes dataset and from the All of Us dataset V8. The single gnomAD heterozygous observation is from the non-Finnish European cohort and shows a skewed allele balance, with 19 alternate reads out of 49 total reads (allele balance = 0.387). This allele-balance pattern is flagged in gnomAD v4.1.0 as suggestive of possible mosaicism. At the gene level, ARHGAP1 has a relatively low loss-of-function constraint score, with a pLI of 0.14 in gnomAD v4.1.0, suggesting that haploinsufficiency may not be the primary expected disease mechanism. Structural modeling and predicted protein impact: The affected residue, Lys103, lies within a region of high AlphaFold model confidence, with pLDDT >80.0. In addition, AlphaMissense predictions support a deleterious effect. The average AlphaMissense score for substitutions at Lys103 is 0.675, while the specific p.Lys103Asn substitution has a score of 0.847, supporting a likely damaging effect. Functional domain relevance: Residue Lys103 is located within a critical BCH domain loop spanning His97–Lys103, which directly participates in RhoA binding [PMID: 34006635]. Disruption of this loop is predicted to alter BCH–RhoA interactions and may perturb autoinhibitory regulation of the GAP domain, thereby affecting downstream Rho GTPase signaling [PMID: 34006635]. While this gene is still lacking sufficient evidence to establish a gene-disease relationship, we believe this is a possible novel gene candidate for neurodevelopmental disorders.

Literature cited by the submitters: PubMed 34006635.

NM_004308.5(ARHGAP1):c.309G>T (p.Lys103Asn)

Gene: ARHGAP1 (Rho GTPase activating protein 1; minus strand). Cytogenetic location: 11p11.2.
Variant type: single nucleotide variant.
Coding change: c.309G>T on transcript NM_004308.5 (MANE Select); coding-DNA position 309, G replaced by T.
Protein change: p.Lys103Asn; replaces lysine 103 with asparagine.
Molecular consequence: missense variant.
Genome position (GRCh38, 1-based): chr11:46,688,181, C>A on the plus strand (G>T on the coding strand, the complement: ARHGAP1 is on the minus strand). VCF-style: chr11-46688181-C-A. GRCh37 (hg19) VCF-style: chr11-46709731-C-A.
Other names: short protein forms K103N.
Identifiers: ClinVar variation 4857191 (VCV004857191.1).